The following is an entry in ClinVar:

ClinVar aggregate classification (germline): Uncertain significance (1 of 4 stars; one submission).

Conditions:
Wilms tumor 1 (WT1). Also called: Wilms tumor, somatic. Identifiers: Orphanet 654, MedGen CN033288, MONDO:0008679, OMIM 194070.

Submission:

Labcorp Genetics (formerly Invitae), Labcorp
Classification: Uncertain significance for Wilms tumor 1. Last evaluated: 2022-07-16. Review status: criteria provided, single submitter. Criteria: Invitae Variant Classification Sherloc (09022015). Collection method: clinical testing. Allele origin: germline.
Comment: In summary, the available evidence is currently insufficient to determine the role of this variant in disease. Therefore, it has been classified as a Variant of Uncertain Significance. Algorithms developed to predict the effect of missense changes on protein structure and function (SIFT, PolyPhen-2, Align-GVGD) all suggest that this variant is likely to be tolerated. This variant has not been reported in the literature in individuals affected with GPC3-related conditions. This variant is not present in population databases (gnomAD no frequency). This sequence change replaces methionine, which is neutral and non-polar, with isoleucine, which is neutral and non-polar, at codon 513 of the GPC3 protein (p.Met513Ile).

NM_004484.4(GPC3):c.1539G>A (p.Met513Ile)

Gene: GPC3 (glypican 3; minus strand). Cytogenetic location: Xq26.2.
Variant type: single nucleotide variant.
Coding change: c.1539G>A on transcript NM_004484.4 (MANE Select); coding-DNA position 1539, G replaced by A.
Protein change: p.Met513Ile; replaces methionine 513 with isoleucine.
Molecular consequence: missense variant.
Genome position (GRCh38, 1-based): chrX:133,596,474, C>T on the plus strand (G>A on the coding strand, the complement: GPC3 is on the minus strand). VCF-style: chrX-133596474-C-T. GRCh37 (hg19) VCF-style: chrX-132730502-C-T.
Other names: c.1608G>A, p.Met536Ile (NM_001164617.2); c.1491G>A, p.Met497Ile (NM_001164618.2); c.1377G>A, p.Met459Ile (NM_001164619.2); short protein forms M459I, M497I, M513I, M536I.
Identifiers: ClinVar variation 1715744 (VCV001715744.6), dbSNP rs2520746904, ClinGen allele CA414700857.